The following is an entry in ClinVar:

NM_001042492.3(NF1):c.4427G>T (p.Arg1476Leu)

Gene: NF1 (neurofibromin 1; plus strand). Cytogenetic location: 17q11.2.
Variant type: single nucleotide variant.
Coding change: c.4427G>T on transcript NM_001042492.3 (MANE Select); coding-DNA position 4427, G replaced by T.
Protein change: p.Arg1476Leu; replaces arginine 1476 with leucine.
Molecular consequence: missense variant.
Genome position (GRCh38, 1-based): chr17:31,259,126, G>T. VCF-style: chr17-31259126-G-T. GRCh37 (hg19) VCF-style: chr17-29586144-G-T.
Other names: c.4364G>T, p.Arg1455Leu (NM_000267.4); short protein forms R1455L, R1476L.
Identifiers: ClinVar variation 1366559 (VCV001366559.8), dbSNP rs1555618691, ClinGen allele CA398999011.

ClinVar aggregate classification (germline): Uncertain significance (1 of 4 stars; one submission).

Conditions:
Neurofibromatosis, type 1 (NF1). Also called: Peripheral type neurofibromatosis; Neurofibromatosis, type I; NEUROFIBROMATOSIS, TYPE I, SOMATIC; VON RECKLINGHAUSEN DISEASE. Identifiers: Orphanet 636, MedGen C0027831, MONDO:0018975, OMIM 162200. Disease mechanism: loss of function.

Submission:

Labcorp Genetics (formerly Invitae), Labcorp
Classification: Uncertain significance for Neurofibromatosis, type 1. Last evaluated: 2021-01-22. Review status: criteria provided, single submitter. Criteria: Invitae Variant Classification Sherloc (09022015). Collection method: clinical testing. Allele origin: germline.
Comment: This sequence change replaces arginine with leucine at codon 1455 of the NF1 protein (p.Arg1455Leu). The arginine residue is moderately conserved and there is a moderate physicochemical difference between arginine and leucine. This variant is not present in population databases (ExAC no frequency). This variant has not been reported in the literature in individuals with NF1-related conditions. Advanced modeling of protein sequence and biophysical properties (such as structural, functional, and spatial information, amino acid conservation, physicochemical variation, residue mobility, and thermodynamic stability) performed at Invitae indicates that this missense variant is expected to disrupt NF1 protein function. In summary, the available evidence is currently insufficient to determine the role of this variant in disease. Therefore, it has been classified as a Variant of Uncertain Significance.